The following is an entry in ClinVar:

ClinVar aggregate classification (germline): Uncertain significance (1 of 4 stars; one submission).

Submission:

GeneDx
Classification: Uncertain significance. Last evaluated: 2025-02-24. Review status: criteria provided, single submitter. Criteria: GeneDx Variant Classification Process June 2021. Collection method: clinical testing. Allele origin: germline. Affected: yes.
Comment: Not observed at significant frequency in large population cohorts (gnomAD); In silico analysis supports that this missense variant has a deleterious effect on protein structure/function; Has not been previously published as pathogenic or benign to our knowledge

NM_003931.3(WASF1):c.484A>G (p.Lys162Glu)

Gene: WASF1 (WASP family member 1; minus strand). Cytogenetic location: 6q21.
Variant type: single nucleotide variant.
Coding change: c.484A>G on transcript NM_003931.3 (MANE Select); coding-DNA position 484, A replaced by G.
Protein change: p.Lys162Glu; replaces lysine 162 with glutamic acid.
Molecular consequence: missense variant.
Genome position (GRCh38, 1-based): chr6:110,107,133, T>C on the plus strand (A>G on the coding strand, the complement: WASF1 is on the minus strand). VCF-style: chr6-110107133-T-C. GRCh37 (hg19) VCF-style: chr6-110428336-T-C.
Other names: c.484A>G, p.Lys162Glu (NM_001024934.2, NM_001024935.2, NM_001024936.2); short protein forms K162E.
Identifiers: ClinVar variation 4076889 (VCV004076889.1).